The following is an entry in ClinVar:

NM_001291303.3(FAT4):c.104C>T (p.Pro35Leu)

Gene: FAT4 (FAT atypical cadherin 4; plus strand). Cytogenetic location: 4q28.1.
Variant type: single nucleotide variant.
Coding change: c.104C>T on transcript NM_001291303.3 (MANE Select); coding-DNA position 104, C replaced by T.
Protein change: p.Pro35Leu; replaces proline 35 with leucine.
Molecular consequence: missense variant.
Genome position (GRCh38, 1-based): chr4:125,316,515, C>T. VCF-style: chr4-125316515-C-T. GRCh37 (hg19) VCF-style: chr4-126237670-C-T.
Other names: c.104C>T, p.Pro35Leu (NM_001291285.3, NM_024582.6); short protein forms P35L.
Identifiers: ClinVar variation 2414070 (VCV002414070.5), dbSNP rs771880495, ClinGen allele CA3071742.

ClinVar aggregate classification (germline): Uncertain significance (1 of 4 stars; one submission).

Allele frequency attached by ClinVar (database versions not stated): gnomAD exomes below 0.00001; ExAC 0.00001; gnomAD 0.00002; TOPMed 0.00003.
gnomAD v4.1: 7 of 1,613,852 alleles (0.00043%); highest among the groups gnomAD compares: African/African-American, 0.0053%; no homozygotes.

Submission:

Labcorp Genetics (formerly Invitae), Labcorp
Classification: Uncertain significance. Last evaluated: 2022-03-23. Review status: criteria provided, single submitter. Criteria: Invitae Variant Classification Sherloc (09022015). Collection method: clinical testing. Allele origin: germline.
Comment: This sequence change replaces proline, which is neutral and non-polar, with leucine, which is neutral and non-polar, at codon 35 of the FAT4 protein (p.Pro35Leu). This variant is present in population databases (rs771880495, gnomAD 0.007%). This variant has not been reported in the literature in individuals affected with FAT4-related conditions. Advanced modeling of protein sequence and biophysical properties (such as structural, functional, and spatial information, amino acid conservation, physicochemical variation, residue mobility, and thermodynamic stability) performed at Invitae indicates that this missense variant is not expected to disrupt FAT4 protein function. In summary, the available evidence is currently insufficient to determine the role of this variant in disease. Therefore, it has been classified as a Variant of Uncertain Significance.